The following is an entry in ClinVar:

ClinVar aggregate classification (germline): Likely benign (1 of 4 stars; one submission).

gnomAD v4.1: 89 of 1,569,182 alleles (0.0057%); highest among the groups gnomAD compares: Non-Finnish European, 0.007%; no homozygotes.

Submission:

CeGaT Center for Human Genetics Tuebingen
Classification: Likely benign. Last evaluated: 2024-10-01. Review status: criteria provided, single submitter. Criteria: CeGaT Center For Human Genetics Tuebingen Variant Classification Criteria Version 2. Collection method: clinical testing. Allele origin: germline. Affected: yes. Observed: 1 variant allele.
Comment: NRP1: BP4, BS2

NM_003873.7(NRP1):c.1864+138C>T

Gene: NRP1 (neuropilin 1; minus strand). Cytogenetic location: 10p11.22.
Variant type: single nucleotide variant.
Coding change: c.1864+138C>T on transcript NM_003873.7 (MANE Select); 138 bases into the intron after coding-DNA position 1864, C replaced by T.
Molecular consequence: intron variant.
Genome position (GRCh38, 1-based): chr10:33,202,753, G>A on the plus strand (C>T on the coding strand, the complement: NRP1 is on the minus strand). VCF-style: chr10-33202753-G-A. GRCh37 (hg19) VCF-style: chr10-33491681-G-A.
Other names: c.1843+159C>T (NM_001244973.2, NM_001244972.2); c.1864+138C>T (NM_001330068.2, NM_001024628.3); c.1759+4819C>T (NM_001024629.3).
Identifiers: ClinVar variation 3388934 (VCV003388934.14).